The following is an entry in ClinVar:

NM_001040108.2(MLH3):c.1492G>A (p.Glu498Lys)

Gene: MLH3 (mutL homolog 3; minus strand). Cytogenetic location: 14q24.3.
Variant type: single nucleotide variant.
Coding change: c.1492G>A on transcript NM_001040108.2 (MANE Select); coding-DNA position 1492, G replaced by A.
Protein change: p.Glu498Lys; replaces glutamic acid 498 with lysine.
Molecular consequence: missense variant.
Genome position (GRCh38, 1-based): chr14:75,048,164, C>T on the plus strand (G>A on the coding strand, the complement: MLH3 is on the minus strand). VCF-style: chr14-75048164-C-T. GRCh37 (hg19) VCF-style: chr14-75514867-C-T.
Other names: c.1492G>A, p.Glu498Lys (NM_014381.3); short protein forms E498K.
Identifiers: ClinVar variation 3396670 (VCV003396670.1).

ClinVar aggregate classification (germline): Uncertain significance (1 of 4 stars; one submission).

gnomAD v4.1: 1 of 1,614,084 alleles (0.000062%); highest among the groups gnomAD compares: East Asian, 0.0022%; no homozygotes.

Submission:

Ambry Genetics
Classification: Uncertain significance. Last evaluated: 2024-07-27. Review status: criteria provided, single submitter. Criteria: Ambry Variant Classification Scheme 2023. Collection method: clinical testing. Allele origin: germline.
Comment: The p.E498K variant (also known as c.1492G>A), located in coding exon 1 of the MLH3 gene, results from a G to A substitution at nucleotide position 1492. The glutamic acid at codon 498 is replaced by lysine, an amino acid with similar properties. This amino acid position is conserved. In addition, this alteration is predicted to be tolerated by in silico analysis. Based on the available evidence, the clinical significance of this variant remains unclear.